The following is an entry in ClinVar:

NM_000112.4(SLC26A2):c.630G>C (p.Arg210Ser)

Gene: SLC26A2 (solute carrier family 26 member 2; plus strand). Cytogenetic location: 5q32.
Variant type: single nucleotide variant.
Coding change: c.630G>C on transcript NM_000112.4 (MANE Select); coding-DNA position 630, G replaced by C.
Protein change: p.Arg210Ser; replaces arginine 210 with serine.
Molecular consequence: missense variant.
Genome position (GRCh38, 1-based): chr5:149,978,282, G>C. VCF-style: chr5-149978282-G-C. GRCh37 (hg19) VCF-style: chr5-149357845-G-C.
Other names: short protein forms R210S.
Identifiers: ClinVar variation 2115398 (VCV002115398.1), dbSNP rs867540010, ClinGen allele CA361705397.

ClinVar aggregate classification (germline): Uncertain significance (1 of 4 stars; one submission).

Conditions:
Achondrogenesis, type IB (ACG1B). Also called: Achondrogenesis Type 1B. Identifiers: Orphanet 932, Orphanet 93298, MedGen C0265274, MONDO:0010966, OMIM 600972.
Diastrophic dysplasia (DTD). Also called: Diastrophic dwarfism. Identifiers: Orphanet 628, MedGen C0220726, MONDO:0009107, OMIM 222600.
Multiple epiphyseal dysplasia type 4 (EDM4). Also called: Multiple Epiphyseal Dysplasia, Recessive; MULTIPLE EPIPHYSEAL DYSPLASIA WITH BILAYERED PATELLAE; MULTIPLE EPIPHYSEAL DYSPLASIA WITH CLUBFOOT; MULTIPLE EPIPHYSEAL DYSPLASIA, AUTOSOMAL RECESSIVE; SLC26A2-Related Multiple Epiphyseal Dysplasia. Identifiers: Orphanet 93307, MedGen C1847593, MONDO:0009189, OMIM 226900.
Atelosteogenesis type II (AO2). Also called: NEONATAL OSSEOUS DYSPLASIA I; SLC26A2-Related Atelosteogenesis; Neonatal osseous dysplasia 1. Identifiers: Orphanet 56304, MedGen C1850554, MONDO:0009727, OMIM 256050.

Allele frequency attached by ClinVar (database versions not stated): gnomAD 0.00001.
gnomAD v4.1: 3 of 1,613,932 alleles (0.00019%); highest among the groups gnomAD compares: African/African-American, 0.0013%; no homozygotes.

Submission:

Labcorp Genetics (formerly Invitae), Labcorp
Classification: Uncertain significance for Atelosteogenesis type II; Multiple epiphyseal dysplasia type 4; Achondrogenesis, type IB; Diastrophic dysplasia. Last evaluated: 2022-03-20. Review status: criteria provided, single submitter. Criteria: Invitae Variant Classification Sherloc (09022015). Collection method: clinical testing. Allele origin: germline.
Comment: This sequence change replaces arginine, which is basic and polar, with serine, which is neutral and polar, at codon 210 of the SLC26A2 protein (p.Arg210Ser). This variant is present in population databases (no rsID available, gnomAD 0.01%). This variant has not been reported in the literature in individuals affected with SLC26A2-related conditions. Advanced modeling of protein sequence and biophysical properties (such as structural, functional, and spatial information, amino acid conservation, physicochemical variation, residue mobility, and thermodynamic stability) performed at Invitae indicates that this missense variant is not expected to disrupt SLC26A2 protein function. In summary, the available evidence is currently insufficient to determine the role of this variant in disease. Therefore, it has been classified as a Variant of Uncertain Significance.